The following is an entry in ClinVar:

ClinVar aggregate classification (germline): Benign. Review status: criteria provided, multiple submitters, no conflicts (2 of 4 stars). 5 submissions from 5 submitters: Benign (5). Last evaluated 2026-02-04.

Conditions:
Immunodeficiency 51 (IMD51). Also called: CANDIDIASIS, FAMILIAL, 5. Identifiers: Orphanet 1334, MedGen C4310803, MONDO:0013500, OMIM 613953.

Allele frequency attached by ClinVar (database versions not stated): 1000 Genomes Project 0.16394; 1000 Genomes Project 30x 0.16521; gnomAD exomes 0.19277 and 0.22432; TOPMed 0.19456; ExAC 0.20090; gnomAD 0.20362 and 0.20567; ESP Exome Variant Server 0.21690.
gnomAD v4.1: 357,072 of 1,607,998 alleles (22%); highest among the groups gnomAD compares: Non-Finnish European, 24%; 41,505 homozygotes.

Submissions (5):

Labcorp Genetics (formerly Invitae), Labcorp
Classification: Benign for Immunodeficiency 51. Last evaluated: 2026-02-04. Review status: criteria provided, single submitter. Criteria: Invitae Variant Classification Sherloc (09022015). Collection method: clinical testing. Allele origin: germline.

Unidad de Genómica Garrahan, Hospital de Pediatría Garrahan
Classification: Benign. Last evaluated: 2024-01-24. Review status: criteria provided, single submitter. Criteria: ACMG Guidelines, 2015. Collection method: clinical testing. Allele origin: germline. Affected: no. Observed: 27 variant alleles.
Comment: This variant is classified as Benign based on local population frequency. This variant was detected in 28% of patients studied by a panel of primary immunodeficiencies. Number of patients: 27. Only high quality variants are reported.

Mayo Clinic Laboratories, Mayo Clinic
Classification: Benign. Last evaluated: 2022-09-06. Review status: criteria provided, single submitter. Criteria: ACMG Guidelines, 2015. Collection method: clinical testing. Allele origin: germline. Observed: 29 variant alleles.

Laboratory for Molecular Medicine, Mass General Brigham Personalized Medicine
Classification: Benign. Last evaluated: 2016-03-29. Review status: criteria provided, single submitter. Criteria: LMM Criteria. Collection method: clinical testing. Allele origin: germline.
Comment: Variant identified in a genome or exome case(s) and assessed due to predicted null impact of the variant or pathogenic assertions in the literature or databases. Disclaimer: This variant has not undergone full assessment. The following are preliminary notes: Frequency

Breakthrough Genomics
Classification: Benign. Review status: criteria provided, single submitter. Criteria: ACMG Guidelines, 2015. Collection method: not provided. Allele origin: germline. Inheritance: Autosomal recessive inheritance. Affected: yes.

NM_014339.7(IL17RA):c.1458C>T (p.Ile486=)

Gene: IL17RA (interleukin 17 receptor A; plus strand). Cytogenetic location: 22q11.1.
Variant type: single nucleotide variant.
Coding change: c.1458C>T on transcript NM_014339.7 (MANE Select); coding-DNA position 1458, C replaced by T.
Protein change: p.Ile486=; no amino-acid change (isoleucine 486 retained).
Molecular consequence: synonymous variant.
Genome position (GRCh38, 1-based): chr22:17,108,677, C>T. VCF-style: chr22-17108677-C-T. GRCh37 (hg19) VCF-style: chr22-17589567-C-T.
Other names: p.Ile486=; c.1356C>T, p.Ile452= (NM_001289905.2).
Identifiers: ClinVar variation 340598 (VCV000340598.21), dbSNP rs879575, ClinGen allele CA10086760.